The following is an entry in ClinVar:

NM_001388492.1(HTT):c.54GCA[27] (p.Gln31_Gln38dup)

Genes: HTT (huntingtin; plus strand), LOC109461479 (huntingtin repeat instability region; plus strand), LOC129929027 (ATAC-STARR-seq lymphoblastoid silent region 15199; plus strand). Cytogenetic location: 4p16.3.
Variant type: Microsatellite.
Coding change: c.54GCA[27] on transcript NM_001388492.1 (MANE Select); 27 copies in a row of the 3-base unit GCA starting at c.54.
Protein change: p.Gln31_Gln38dup.
Molecular consequence: inframe insertion.
Genome position: GRCh38 VCF-style: chr4-3074876-C-CCAGCAGCAGCAGCAGCAG. GRCh37 (hg19) VCF-style: chr4-3076603-C-CCAGCAGCAGCAGCAGCAG.
Other names: c.54GCA[27], p.Gln35_Gln40dup (NM_002111.8).
Identifiers: ClinVar variation 1049703 (VCV001049703.8), dbSNP rs71180116, ClinGen allele CA793837419.
Genomic context (GRCh38, chr4:3,074,876, plus strand): 5'-GGAGACCGCCATGGCGACCCTGGAAAAGCTGATGAAGGCCTTCGAGTCCCTCAAGTCCTT[C>CCAGCAGCAGCAGCAGCAG]CAGCAGCAGCAGCAGCAGCAGCAGCAGCAGCAGCAGCAGCAGCAGCAGCAGCAGCAGCAA-3'

ClinVar aggregate classification (germline): Conflicting classifications of pathogenicity. Review status: criteria provided, conflicting classifications (1 of 4 stars). 5 submissions from 5 submitters: Uncertain significance (1); Benign (2); Likely benign (1). 1 of the submissions does not count toward it. Last evaluated 2026-09-23.

Conditions:
Huntington disease (HD). Also called: Huntington's chorea; Huntington's disease; HUNTINGTON CHOREA. Identifiers: Orphanet 248111, Orphanet 399, MedGen C0020179, MONDO:0007739, OMIM 143100.

Submissions (5):

Department Of Human Genetics, Institute Of Clinical And Translational Research, Biomedical Research Center, Slovak Academy Of Sciences
Classification: Uncertain significance for Huntington disease. Last evaluated: 2026-09-23. Review status: criteria provided, single submitter. Criteria: ACMG Guidelines for Huntington disease, 2014. Collection method: research. Allele origin: germline. Inheritance: Autosomal dominant inheritance.
Comment: The NC_000004.12.g.3074878_3074940AGC[25]AAC[1]AGC[1] allele represents a complex trinucleotide repeat sequence in the HTT (huntingtin) gene. The repeat tract consists of 25 consecutive AGC repeats, followed by one AAC repeat and one additional AGC repeat. This sequence corresponds to 25 uninterrupted glutamine-encoding units or 27 interrupted glutamine-encoding repeat units (this count the AAC interruption and the additional AGC to the total number of repeats on the DNA level, while all resulting in glutamine residues at the protein level). Huntington disease (HD) is an autosomal dominant neurodegenerative disorder caused by an expansion of the CAG trinucleotide repeat in exon 1 of the HTT gene. HTT alleles containing 26 or fewer CAG repeats are considered within the normal range, whereas alleles containing 27–35 repeats are classified as intermediate/premutation, 36-39 repeats as reduced-penetrance pathogenic alleles, and 40 or more repeats as full-penetrance pathogenic alleles. This allele is classified as uncertain significance because the 25 uninterrupted repeats fall within the normal range, whereas the total of 27 repeats, including interruptions, falls within the intermediate/premutation range. The allele reached 0.33% frequency in the general population of Slovakia (in 609 genotyped alleles).

CeGaT Center for Human Genetics Tuebingen
Classification: Benign. Last evaluated: 2026-01-01. Review status: criteria provided, single submitter. Criteria: CeGaT Center For Human Genetics Tuebingen Variant Classification Criteria Version 2. Collection method: clinical testing. Allele origin: germline. Affected: yes. Observed: 1 variant allele.
Comment: HTT: BS1, BS2

Laboratory of Genetics, Children's Clinical University Hospital Latvia
Classification: Benign. Last evaluated: 2025-02-16. Review status: criteria provided, single submitter. Criteria: ACMG Guidelines, 2015. Collection method: clinical testing. Allele origin: germline. Affected: yes.

Blueprint Genetics
Classification: Likely benign. Last evaluated: 2024-11-26. Review status: criteria provided, single submitter. Criteria: ACMG Guidelines, 2015. Collection method: clinical testing. Allele origin: germline.

Department of Pathology and Laboratory Medicine, Sinai Health System
Classification: Uncertain significance. Review status: no assertion criteria provided. Collection method: clinical testing. Allele origin: unknown. Affected: yes. Study: The Canadian Open Genetics Repository (COGR). Not counted in ClinVar's aggregate classification.